The following is an entry in ClinVar:

NM_006767.4(LZTR1):c.465C>G (p.Tyr155Ter)

Gene: LZTR1 (leucine zipper like post translational regulator 1; plus strand). Cytogenetic location: 22q11.21.
Variant type: single nucleotide variant.
Coding change: c.465C>G on transcript NM_006767.4 (MANE Select); coding-DNA position 465, C replaced by G.
Protein change: p.Tyr155Ter; replaces tyrosine 155 with a stop codon.
Molecular consequence: nonsense.
Genome position (GRCh38, 1-based): chr22:20,988,074, C>G. VCF-style: chr22-20988074-C-G. GRCh37 (hg19) VCF-style: chr22-21342363-C-G.
Other names: c.465C>G (NM_006767.3); short protein forms Y155*.
Identifiers: ClinVar variation 1453718 (VCV001453718.23), dbSNP rs753295968, ClinGen allele CA410779843.

ClinVar aggregate classification (germline): Pathogenic/Likely pathogenic. Review status: criteria provided, multiple submitters, no conflicts (2 of 4 stars). 10 submissions from 10 submitters: Pathogenic (4); Likely pathogenic (6). Last evaluated 2026-02-18.

Conditions:
LZTR1-related disorder. Also called: LZTR1-related disorders; LZTR1-related condition.
Hereditary cancer-predisposing syndrome. Also called: Hereditary Cancer Syndrome; Hereditary neoplastic syndrome; Tumor predisposition; Neoplastic Syndromes, Hereditary. Identifiers: Orphanet 140162, MedGen C0027672, MeSH D009386, MONDO:0015356.
Cardiovascular phenotype. Identifiers: MedGen CN230736.
Noonan syndrome 2 (NS2). Identifiers: Orphanet 648, MedGen C1854469, MONDO:0011531, OMIM 605275.
Noonan syndrome 10 (NS10). Identifiers: Orphanet 648, MedGen C4225280, MONDO:0014693, OMIM 616564.
LZTR1-related schwannomatosis. Also called: Schwannomatosis-2, susceptibility to; Schwannomatosis 2. Identifiers: Orphanet 93921, MedGen C3810283, MONDO:0014299, OMIM 615670.
Noonan syndrome (NS). Also called: Noonan's syndrome. Identifiers: Orphanet 648, MedGen C0028326, MeSH D009634, MONDO:0018997. Disease mechanism: gain of function.

Allele frequency attached by ClinVar (database versions not stated): gnomAD 0.00001; TOPMed 0.00002.
gnomAD v4.1: 17 of 1,613,426 alleles (0.0011%); highest among the groups gnomAD compares: East Asian, 0.011%; no homozygotes.

Submissions (10):

GeneDx
Classification: Likely pathogenic. Last evaluated: 2026-02-18. Review status: criteria provided, single submitter. Criteria: GeneDx Variant Classification Process June 2021. Collection method: clinical testing. Allele origin: germline.
Comment: Identified in patients with clinical features of RASopathies in published literature, but presence of a second variant was not specified (PMID: 33128510, 36806754); Reported to occur de novo in individuals with developmental disorders in large cohort studies for whom additional clinical details were not provided (PMID: 28135719, 31785789); Nonsense variant predicted to result in protein truncation or nonsense mediated decay in a gene for which loss of function is a known mechanism of disease; Not observed at significant frequency in large population cohorts (gnomAD); This variant is associated with the following publications: (PMID: 31785789, 28135719, 33128510, 36113475, 36806754, 33057194, 35982159)

Labcorp Genetics (formerly Invitae), Labcorp
Classification: Pathogenic. Last evaluated: 2025-11-10. Review status: criteria provided, single submitter. Criteria: Invitae Variant Classification Sherloc (09022015). Collection method: clinical testing. Allele origin: germline.
Comment: This sequence change creates a premature translational stop signal (p.Tyr155*) in the LZTR1 gene. It is expected to result in an absent or disrupted protein product. Loss-of-function variants in LZTR1 are known to be pathogenic (PMID: 24362817, 25335493, 25480913, 25795793, 29469822, 30368668, 30442762, 30442766, 30481304, 30859559). This variant is present in population databases (no rsID available, gnomAD 0.006%). This premature translational stop signal has been observed in individual(s) with developmental disorders (PMID: 28135719). ClinVar contains an entry for this variant (Variation ID: 1453718). Algorithms developed to predict the effect of sequence changes on RNA splicing suggest that this variant may disrupt the consensus splice site. For these reasons, this variant has been classified as Pathogenic.

Ambry Genetics
Classification: Pathogenic for Cardiovascular phenotype; Hereditary cancer-predisposing syndrome. Last evaluated: 2024-09-22. Review status: criteria provided, single submitter. Criteria: Ambry Variant Classification Scheme 2023. Collection method: clinical testing. Allele origin: germline.
Comment: The p.Y155* pathogenic mutation (also known as c.465C>G), located in coding exon 5 of the LZTR1 gene, results from a C to G substitution at nucleotide position 465. This changes the amino acid from a tyrosine to a stop codon within coding exon 5. This variant has been reported as de novo in a cohort of individuals with developmental disorders, however clinical details were not provided (McRae J et al. Nature, 2017 02;542:433-438). This alteration is expected to result in loss of function by premature protein truncation or nonsense-mediated mRNA decay. Loss-of-function variants in LZTR1 are related to an increased risk for schwannomas and autosomal recessive Noonan syndrome; however, such associations with autosomal dominant Noonan syndrome have not been observed (Piotrowski A et al. Nat Genet. 2014 Feb;46:182-7; Yamamoto GL et al. J Med Genet. 2015 Jun;52:413-21; Johnston JJ et al. Genet Med. 2018 10;20:1175-1185). Based on the supporting evidence, this variant is pathogenic for an increased risk of LZTR1-related schwannomatosis (SWN) and would be expected to cause autosomal recessive Noonan syndrome when present along with a second pathogenic or likely pathogenic variant on the other allele; however, the association of this alteration with autosomal dominant Noonan syndrome is unlikely.

Laboratory for Molecular Medicine, Mass General Brigham Personalized Medicine
Classification: Likely pathogenic for Noonan syndrome. Last evaluated: 2024-04-18. Review status: criteria provided, single submitter. Criteria: ACMG Guidelines, 2015. Collection method: clinical testing. Allele origin: germline. Inheritance: Autosomal recessive inheritance.
Comment: The p.Tyr155X variant in LZTR1 has been reported in at least 1 individual with a neurodevelopmental disorder, where is was reported as a de novo occurrence, and in 1 individual with Noonan syndrome, however no information about zygosity or presence of a second variant was provided (McRae 2017 PMID: 28135719, Bertola 2020 PMID: 33128510, Kaplanis 2020 PMID: 33057194, Zhou 2022 PMID: 35982159). It was also found in an individual with non-small cell lung cancer (Wang 2022 PMID: 36113475). This variant has also been reported by other clinical laboratories in ClinVar (Variation ID 1453718) and has been identified in 0.01% (5/44894) of East Asian chromosomes by gnomAD (v4.0.0). This nonsense variant leads to a premature termination codon at position 155, which is predicted to lead to a truncated or absent protein. Loss of function of variants in LZTR1 gene has been associated with autosomal dominant schwannomatosis in the heterozygous state and with autosomal recessive Noonan syndrome in the compound heterozygous or homozygous state. In summary, although additional studies are required to fully establish its clinical significance, this variant meets criteria to be classified as likely pathogenic for autosomal recessive Noonan syndrome (ACMG/AMP Criteria applied: PVS1, PM2_Supporting). Due to the frequency of this variant in gnomAD, the significance of this variant for autosomal dominant schwannomatosis is unclear (Deng 2022 PMID: 35391499; ACMG/AMP Criteria applied: PVS1).

Women's Health and Genetics/Laboratory Corporation of America, LabCorp
Classification: Pathogenic for Noonan syndrome 2. Last evaluated: 2024-02-14. Review status: criteria provided, single submitter. Criteria: LabCorp Variant Classification Summary - May 2015. Collection method: clinical testing. Allele origin: germline.
Comment: Variant summary: LZTR1 c.465C>G (p.Tyr155X) results in a premature termination codon, predicted to cause a truncation of the encoded protein or absence of the protein due to nonsense mediated decay, however the molecular mechanism of disease attributed to LZTR1 is gain-of-function. The variant allele was found at a frequency of 1.2e-05 in 251352 control chromosomes. The available data on variant occurrences in the general population are insufficient to allow any conclusion about variant significance. c.465C>G has been reported in the literature in at-least one individual affected with Noonan Syndrome (example, Bertola_2020) and as a de novo change in unspecified patient(s) with developmental delay (example, Kaplanis_2020, Zhou_2022). It has also been reported in unspecified individual with Non-small cell lung cancer (Wang_2022). These data do not allow any conclusion about variant significance. To our knowledge, no experimental evidence demonstrating an impact on protein function has been reported. The following publications have been ascertained in the context of this evaluation (PMID: 33128510, 33057194, 35982159, 36113475). ClinVar contains an entry for this variant (Variation ID: 1453718). Based on the evidence outlined above, the variant was classified as pathogenic for recessive Noonan syndrome (NS2).

Illumina Laboratory Services, Illumina
Classification: Likely pathogenic for LZTR1-related schwannomatosis. Last evaluated: 2023-09-07. Review status: criteria provided, single submitter. Criteria: ICSLVariantClassificationCriteria RUGD 01 April 2020. Collection method: clinical testing. Allele origin: unknown.
Comment: The LZTR1 c.465C>G (p.Tyr155Ter) nonsense variant results in the loss of normal protein function through either protein truncation or nonsense-mediated mRNA decay. The p.Tyr155Ter variant was identified in one case from a cohort of individuals with non-small cell lung cancer and was shown to be absent from controls (PMID: 36113475). In addition, this variant was reported in an individual with Noonan syndrome; however, no additional details are provided on zygosity or presence of a second variant in this individual (PMID: 33128510). This variant is reported in the Genome Aggregation Database in three alleles at a frequency of 0.000012 in the total population (version 2.1.1). Based on the available evidence, the c.465C>G (p.Tyr155Ter) variant is classified as likely pathogenic with reduced penetrance for schwannomatosis.

Baylor Genetics
Classification: Likely pathogenic for LZTR1-related schwannomatosis. Last evaluated: 2023-05-16. Review status: criteria provided, single submitter. Criteria: ACMG Guidelines, 2015. Collection method: clinical testing. Allele origin: unknown.

Blueprint Genetics
Classification: Pathogenic for LZTR1-related disorders. Last evaluated: 2022-09-16. Review status: criteria provided, single submitter. Criteria: ACMG Guidelines, 2015. Collection method: clinical testing. Allele origin: germline. Affected: yes. Observed: 4 variant alleles.

Laboratorio de Genetica e Diagnostico Molecular, Hospital Israelita Albert Einstein
Classification: Likely pathogenic for Noonan syndrome 2; Noonan syndrome 10. Last evaluated: 2021-04-07. Review status: criteria provided, single submitter. Criteria: ACMG Guidelines, 2015. Collection method: clinical testing. Allele origin: germline. Affected: yes.
Comment: ACMG classification criteria: PVS1, PM2

Juno Genomics, Hangzhou Juno Genomics, Inc
Classification: Likely pathogenic for LZTR1-related schwannomatosis. Review status: criteria provided, single submitter. Criteria: ACMG Guidelines, 2015. Collection method: clinical testing. Allele origin: germline.
Comment: Null variant in a gene where loss of function (LOF) is a known mechanism of disease.;Absent from controls (or at extremely low frequency if recessive) in Genome Aggregation Database.

Literature cited by the submitters: PubMed 24362817 (cited by Labcorp Genetics (formerly Invitae), Labcorp); PubMed 25335493 (cited by Labcorp Genetics (formerly Invitae), Labcorp); PubMed 25480913 (cited by Labcorp Genetics (formerly Invitae), Labcorp); PubMed 25795793 (cited by Labcorp Genetics (formerly Invitae), Labcorp); PubMed 29469822 (cited by Labcorp Genetics (formerly Invitae), Labcorp); PubMed 30368668 (cited by Labcorp Genetics (formerly Invitae), Labcorp); PubMed 30442762 (cited by Labcorp Genetics (formerly Invitae), Labcorp); PubMed 30442766 (cited by Labcorp Genetics (formerly Invitae), Labcorp); PubMed 30481304 (cited by Labcorp Genetics (formerly Invitae), Labcorp); PubMed 30859559 (cited by Labcorp Genetics (formerly Invitae), Labcorp); PubMed 28135719 (cited by 3 submitters); PubMed 33128510 (cited by 3 submitters); PubMed 33057194 (cited by Laboratory for Molecular Medicine, Mass General Brigham Personalized Medicine and Women's Health and Genetics/Laboratory Corporation of America, LabCorp); PubMed 35982159 (cited by Laboratory for Molecular Medicine, Mass General Brigham Personalized Medicine and Women's Health and Genetics/Laboratory Corporation of America, LabCorp); PubMed 36113475 (cited by 3 submitters).